The following is an entry in ClinVar:

ClinVar aggregate classification (germline): Pathogenic (1 of 4 stars; one submission).

Submission:

Quest Diagnostics Nichols Institute San Juan Capistrano
Classification: Pathogenic. Last evaluated: 2024-06-21. Review status: criteria provided, single submitter. Criteria: ACMG/ClinGen CNV Guidelines, 2019. Collection method: clinical testing. Allele origin: unknown.
Comment: This loss contains numerous protein-coding genes, including haploinsufficient genes, and overlaps the region associated with Wilms tumor, aniridia, genitourinary anomalies and impaired intellectual development syndrome (WAGR syndrome; OMIM 194072). Similar and smaller deletions have been reported in literature (De Souza 2022, Rodriguez-Lopez 2013, Xu 2008). Thus, based on gene count and current medical literature, this CNV is classified as pathogenic. References: De Souza et al., Mol Syndromol. 2022 Jul;13(4):290-304. PMID: 36158055; Rodriguez-Lopez et al., Gene. 2013 Mar 10;516(2):285-90. PMID: 23266638; Xu et al., Cytogenet Genome Res. 2008;122(2):181-7. PMID: 19096215

GRCh37/hg19 11p15.1-12(chr11:17120358-41424289)x1

Genes: ABCC8 (ATP binding cassette subfamily C member 8; minus strand), ABTB2 (ankyrin repeat and BTB domain containing 2; minus strand), ANO3 (anoctamin 3; plus strand), ANO5 (anoctamin 5; plus strand), APIP (APAF1 interacting protein; minus strand) and 102 more. Cytogenetic location: 11p15.1-12.
Variant type: copy number loss.
Change: copy number 1 (one copy instead of two) of chr11:17,120,358-41,424,289 (24.30 Mb, GRCh37 coordinates, 1-based), cytogenetic band 11p15.1-12.
Identifiers: ClinVar variation 3391909 (VCV003391909.1).